The following is an entry in ClinVar:

ClinVar aggregate classification (germline): Likely benign. Review status: criteria provided, multiple submitters, no conflicts (2 of 4 stars). 2 submissions from 2 submitters: Likely benign (2). Last evaluated 2018-06-18.

Allele frequency attached by ClinVar (database versions not stated): gnomAD exomes 0.00099; 1000 Genomes Project 0.00839; 1000 Genomes Project 30x 0.00890; gnomAD 0.01018 and 0.01106; TOPMed 0.01229.
gnomAD v4.1: 2,475 of 1,024,340 alleles (0.24%); highest among the groups gnomAD compares: African/African-American, 3.5%; 32 homozygotes.

Submissions (2):

GeneDx
Classification: Likely benign. Last evaluated: 2018-06-18. Review status: criteria provided, single submitter. Criteria: GeneDx Variant Classification (06012015). Collection method: clinical testing. Allele origin: germline. Affected: yes.
Comment: This variant is considered likely benign or benign based on one or more of the following criteria: it is a conservative change, it occurs at a poorly conserved position in the protein, it is predicted to be benign by multiple in silico algorithms, and/or has population frequency not consistent with disease.

Breakthrough Genomics
Classification: Likely benign. Review status: criteria provided, single submitter. Criteria: ACMG Guidelines, 2015. Collection method: not provided. Allele origin: germline. Inheritance: Autosomal dominant inheritance. Affected: yes.

NM_002691.4(POLD1):c.3068-154C>A

Gene: POLD1 (DNA polymerase delta 1, catalytic subunit; plus strand). Cytogenetic location: 19q13.33.
Variant type: single nucleotide variant.
Coding change: c.3068-154C>A on transcript NM_002691.4 (MANE Select); 154 bases into the intron before coding-DNA position 3068, C replaced by A.
Molecular consequence: intron variant.
Genome position (GRCh38, 1-based): chr19:50,416,891, C>A. VCF-style: chr19-50416891-C-A. GRCh37 (hg19) VCF-style: chr19-50920148-C-A.
Other names: c.3068-154C>A (NM_001256849.1); c.3146-154C>A (NM_001308632.1).
Identifiers: ClinVar variation 682461 (VCV000682461.2), dbSNP rs113871429, ClinGen allele CA309605516.
Genomic context (GRCh38, chr19:50,416,891, plus strand): 5'-AGGGCCCCTGGGTGGGTGGCCCCTGTCTCCACCCCCCACAGAGGGTCCTCGGCCCCCACC[C>A]CGGGAGTTCCCCAGGGGAGTTTTCCCAGCACACTTGCTCCGTTGTTCTCCAGCCTCTGGG-3'